The following is an entry in ClinVar:

ClinVar aggregate classification (germline): Uncertain significance. Review status: criteria provided, multiple submitters, no conflicts (2 of 4 stars). 2 submissions from 2 submitters: Uncertain significance (2). Last evaluated 2024-08-07.

Conditions:
Hereditary cancer-predisposing syndrome. Also called: Hereditary Cancer Syndrome; Neoplastic Syndromes, Hereditary; Tumor predisposition; Hereditary neoplastic syndrome. Identifiers: Orphanet 140162, MedGen C0027672, MeSH D009386, MONDO:0015356.
Retinoblastoma (RB1). Also called: RETINOBLASTOMA, SOMATIC. Identifiers: Orphanet 790, MedGen C0035335, MeSH D012175, MONDO:0008380, OMIM 180200, HP:0009919. Disease mechanism: loss of function. Inheritance: Both sporadic and heritable forms are tested..

Submissions (2):

Ambry Genetics
Classification: Uncertain significance for Hereditary cancer-predisposing syndrome. Last evaluated: 2024-08-07. Review status: criteria provided, single submitter. Criteria: Ambry Variant Classification Scheme 2023. Collection method: clinical testing. Allele origin: germline.
Comment: The p.I172L variant (also known as c.514A>T), located in coding exon 5 of the RB1 gene, results from an A to T substitution at nucleotide position 514. The isoleucine at codon 172 is replaced by leucine, an amino acid with highly similar properties. This amino acid position is highly conserved in available vertebrate species. In addition, the in silico prediction for this alteration is inconclusive. Since supporting evidence is limited at this time, the clinical significance of this alteration remains unclear.

Labcorp Genetics (formerly Invitae), Labcorp
Classification: Uncertain significance for Retinoblastoma. Last evaluated: 2022-11-06. Review status: criteria provided, single submitter. Criteria: Invitae Variant Classification Sherloc (09022015). Collection method: clinical testing. Allele origin: germline.
Comment: In summary, the available evidence is currently insufficient to determine the role of this variant in disease. Therefore, it has been classified as a Variant of Uncertain Significance. Advanced modeling of protein sequence and biophysical properties (such as structural, functional, and spatial information, amino acid conservation, physicochemical variation, residue mobility, and thermodynamic stability) performed at Invitae indicates that this missense variant is not expected to disrupt RB1 protein function. This variant has not been reported in the literature in individuals affected with RB1-related conditions. This variant is not present in population databases (gnomAD no frequency). This sequence change replaces isoleucine, which is neutral and non-polar, with leucine, which is neutral and non-polar, at codon 172 of the RB1 protein (p.Ile172Leu).

NM_000321.3(RB1):c.514A>T (p.Ile172Leu)

Gene: RB1 (RB transcriptional corepressor 1; plus strand). Cytogenetic location: 13q14.2.
Variant type: single nucleotide variant.
Coding change: c.514A>T on transcript NM_000321.3 (MANE Select); coding-DNA position 514, A replaced by T.
Protein change: p.Ile172Leu; replaces isoleucine 172 with leucine.
Molecular consequence: missense variant.
Genome position (GRCh38, 1-based): chr13:48,347,838, A>T. VCF-style: chr13-48347838-A-T. GRCh37 (hg19) VCF-style: chr13-48921974-A-T.
Other names: c.514A>T, p.Ile172Leu (NM_001407165.1, NM_001407166.1); short protein forms I172L.
Identifiers: ClinVar variation 1745651 (VCV001745651.8), dbSNP rs2138091600, ClinGen allele CA388156804.
Genomic context (GRCh38, chr13:48,347,838, plus strand): 5'-CTAAATTACGAAAAAATGTTAAAAAGTCATAATGTTTTTCTTTTCAGGACATGTGAACTT[A>T]TATATTTGACACAACCCAGCAGTTCGTAAGTAGTTCACAGAATGTTATTTTTCACTTAAA-3'
Protein context (NP_000312.2, residues 162-182): FSKLERTCEL[Ile172Leu]YLTQPSSSIS